The following is an entry in ClinVar:

NM_001378454.1(ALMS1):c.4982A>C (p.His1661Pro)

Gene: ALMS1 (ALMS1 centrosome and basal body associated protein; plus strand). Cytogenetic location: 2p13.1.
Variant type: single nucleotide variant.
Coding change: c.4982A>C on transcript NM_001378454.1 (MANE Select); coding-DNA position 4982, A replaced by C.
Protein change: p.His1661Pro; replaces histidine 1661 with proline.
Molecular consequence: missense variant.
Genome position (GRCh38, 1-based): chr2:73,451,509, A>C. VCF-style: chr2-73451509-A-C. GRCh37 (hg19) VCF-style: chr2-73678636-A-C.
Other names: c.4985A>C, p.His1662Pro (NM_015120.4); short protein forms H1662P, H1661P.
Identifiers: ClinVar variation 1940124 (VCV001940124.5), dbSNP rs2466103513, ClinGen allele CA347279664.

ClinVar aggregate classification (germline): Uncertain significance (1 of 4 stars; one submission).

Conditions:
Alstrom syndrome (ALMS). Identifiers: Orphanet 64, MedGen C0268425, MONDO:0008763, OMIM 203800.

Submission:

Labcorp Genetics (formerly Invitae), Labcorp
Classification: Uncertain significance for Alstrom syndrome. Last evaluated: 2022-06-14. Review status: criteria provided, single submitter. Criteria: Invitae Variant Classification Sherloc (09022015). Collection method: clinical testing. Allele origin: germline.
Comment: This sequence change replaces histidine, which is basic and polar, with proline, which is neutral and non-polar, at codon 1662 of the ALMS1 protein (p.His1662Pro). In summary, the available evidence is currently insufficient to determine the role of this variant in disease. Therefore, it has been classified as a Variant of Uncertain Significance. Experimental studies and prediction algorithms are not available or were not evaluated, and the functional significance of this variant is currently unknown. This variant has not been reported in the literature in individuals affected with ALMS1-related conditions. This variant is not present in population databases (gnomAD no frequency).